The following is an entry in ClinVar:

NM_020159.5(SMARCAD1):c.1281+665G>A

Gene: SMARCAD1 (SNF2 related chromatin remodeling ATPase with DExD box 1; plus strand). Cytogenetic location: 4q22.3.
Variant type: single nucleotide variant.
Coding change: c.1281+665G>A on transcript NM_020159.5 (MANE Select); 665 bases into the intron after coding-DNA position 1281, G replaced by A.
Molecular consequence: intron variant. On other transcripts: splice donor variant (2).
Genome position (GRCh38, 1-based): chr4:94,253,672, G>A. VCF-style: chr4-94253672-G-A. GRCh37 (hg19) VCF-style: chr4-95174823-G-A.
Other names: IVS1, G-A, +1; c.1281+665G>A (NM_001128430.2, NM_001375855.1, NM_001375858.1 and 2 more transcripts); c.1278+665G>A (NM_001375857.1); c.-10+1G>A (NM_001375859.1, NM_001254949.2).
Identifiers: ClinVar variation 187776 (VCV000187776.3), dbSNP rs1057519613, ClinGen allele CA645369308.

ClinVar aggregate classification (germline): Pathogenic. Review status: criteria provided, single submitter (1 of 4 stars). 2 submissions from 2 submitters: Pathogenic (1). 1 of the submissions does not count toward it. Last evaluated 2021-09-20.

Conditions:
Adermatoglyphia (ADERM). Also called: Isolated congenital adermatoglyphia; FINGERPRINTS, ABSENCE OF. Identifiers: Orphanet 289465, MedGen C1852150, MONDO:0007619, OMIM 136000, HP:0007455.

Submissions (2):

GeneDx
Classification: Pathogenic. Last evaluated: 2021-09-20. Review status: criteria provided, single submitter. Criteria: GeneDx Variant Classification Process June 2021. Collection method: clinical testing. Allele origin: germline. Affected: yes.
Comment: In silico analysis supports a deleterious effect on splicing; No data available from control populations to assess the frequency of this variant; This variant is associated with the following publications: (PMID: 24909267, 33486784)

OMIM
Classification: Pathogenic for ADERMATOGLYPHIA. Last evaluated: 2014-12-01. Review status: no assertion criteria provided. Collection method: literature only. Allele origin: germline. Not counted in ClinVar's aggregate classification.

Literature cited by the submitters: PubMed 24909267 (cited by OMIM).